The following is an entry in ClinVar:

ClinVar aggregate classification (germline): Pathogenic/Likely pathogenic. Review status: criteria provided, multiple submitters, no conflicts (2 of 4 stars). 7 submissions from 7 submitters: Pathogenic (2); Likely pathogenic (5). Last evaluated 2025-09-02.

Conditions:
MCCC2-related disorder. Also called: MCCC2-related condition.
Methylcrotonyl-CoA carboxylase deficiency. Also called: Deficiency of methylcrotonoyl-CoA carboxylase; 3-MCC Deficiency; 3 Methylcrotonylglycinuria. Identifiers: Orphanet 6, MedGen C4551505, MONDO:0018950.
3-methylcrotonyl-CoA carboxylase 2 deficiency. Also called: METHYLCROTONYLGLYCINURIA, TYPE II; 3 alpha methylcrotonyl-CoA carboxylase 2 deficiency; 3 alpha methylcrotonylglycinuria 2; MCC 2 deficiency; Methylcrotonylglycinuria type 2. Identifiers: Orphanet 6, MedGen C1859499, MONDO:0008862, OMIM 210210.

Allele frequency attached by ClinVar (database versions not stated): ExAC 0.00001; gnomAD exomes 0.00001 and 0.00002; gnomAD 0.00002 and 0.00003; TOPMed 0.00003.
gnomAD v4.1: 17 of 1,613,966 alleles (0.0011%); highest among the groups gnomAD compares: South Asian, 0.0077%; no homozygotes.

Submissions (7):

Labcorp Genetics (formerly Invitae), Labcorp
Classification: Likely pathogenic for 3-methylcrotonyl-CoA carboxylase 2 deficiency. Last evaluated: 2025-09-02. Review status: criteria provided, single submitter. Criteria: Invitae Variant Classification Sherloc (09022015). Collection method: clinical testing. Allele origin: germline.
Comment: This sequence change replaces histidine, which is basic and polar, with tyrosine, which is neutral and polar, at codon 190 of the MCCC2 protein (p.His190Tyr). This variant is present in population databases (rs773774134, gnomAD 0.003%). This missense change has been observed in individual(s) with 3-methylcrotonyl-CoA carboxylase deficiency (PMID: 16010683). ClinVar contains an entry for this variant (Variation ID: 198252). Invitae Evidence Modeling of protein sequence and biophysical properties (such as structural, functional, and spatial information, amino acid conservation, physicochemical variation, residue mobility, and thermodynamic stability) indicates that this missense variant is not expected to disrupt MCCC2 protein function with a negative predictive value of 80%. Experimental studies have shown that this missense change affects MCCC2 function (PMID: 16010683). This variant disrupts the p.His190 amino acid residue in MCCC2. Other variant(s) that disrupt this residue have been observed in individuals with MCCC2-related conditions (PMID: 16010683, 17968484), which suggests that this may be a clinically significant amino acid residue. In summary, the currently available evidence indicates that the variant is pathogenic, but additional data are needed to prove that conclusively. Therefore, this variant has been classified as Likely Pathogenic.

Women's Health and Genetics/Laboratory Corporation of America, LabCorp
Classification: Likely pathogenic for Methylcrotonyl-CoA carboxylase deficiency. Last evaluated: 2025-06-13. Review status: criteria provided, single submitter. Criteria: LabCorp Variant Classification Summary - May 2015. Collection method: clinical testing. Allele origin: germline.
Comment: Variant summary: MCCC2 c.568C>T (p.His190Tyr) results in a conservative amino acid change located in the Acetyl-coenzyme A carboxyltransferase, N-terminal domain (IPR011762) of the encoded protein sequence. Algorithms developed to predict the effect of missense changes on protein structure and function are either unavailable or do not agree on the potential impact of this missense change. The variant allele was found at a frequency of 1.6e-05 in 251464 control chromosomes. c.568C>T has been observed in individual(s) affected with Methylcrotonyl-CoA Carboxylase Deficiency (e.g. Dantas_2005, Mao_2020). These data indicate that the variant may be associated with disease. At least one publication reports experimental evidence evaluating an impact on protein function in-vitro and found that the variant results in an absence of normal 3-methylcrotonyl-CoA carboxylase (MCC) activity (Dantas_2005). The following publications have been ascertained in the context of this evaluation (PMID: 16010683, 33058845). ClinVar contains an entry for this variant (Variation ID: 198252). Based on the evidence outlined above, the variant was classified as likely pathogenic.

Natera, Inc.
Classification: Likely pathogenic for 3-methylcrotonyl-CoA carboxylase 2 deficiency. Last evaluated: 2025-02-10. Review status: criteria provided, single submitter. Criteria: Natera Variant Classification Schema (03/2026). Collection method: clinical testing. Allele origin: germline.
Comment: The c.568C>T variant in MCCC2 is a missense variant predicted to cause substitution of histidine to tyrosine at amino acid 190. This variant is rare in the general population with a frequency below the threshold expected for the associated phenotype(s). This variant has been observed in one or more individuals affected with the associated recessive disease, as either homozygous or compound heterozygous with a second variant (PMID: 16010683). Functional studies show that this variant may disrupt protein function (PMID: 16010683). Computational prediction algorithms indicate this variant is likely to affect gene or protein function. Given the available evidence, this variant is classified as Likely Pathogenic.

PreventionGenetics, part of Exact Sciences
Classification: Likely pathogenic for MCCC2-related condition. Last evaluated: 2024-10-21. Review status: criteria provided, single submitter. Criteria: ACMG Guidelines, 2015. Collection method: clinical testing. Allele origin: germline.
Comment: The MCCC2 c.568C>T variant is predicted to result in the amino acid substitution p.His190Tyr. This variant was reported in the homozygous state in one mildly affected individual with 3-methylcrotonyl-CoA carboxylase deficiency (Dantas et al. 2005. PubMed ID: 16010683). In an in vitro expression study, the p.His190Tyr substitution was reported to abolish enzyme activity (Dantas et al. 2005. PubMed ID: 16010683). An alternative substitution of the same amino acid (p.His190Arg) was reported along with a second likely pathogenic MCCC2 variant in an individual with 3-methylcrotonyl-CoA carboxylase deficiency (Uematsu et al. 2007. PubMed ID: 17968484). This variant is reported in 0.0033% of alleles in individuals of South Asian descent in gnomAD. This variant is interpreted as likely pathogenic.

SIB Swiss Institute of Bioinformatics
Classification: Likely pathogenic for 3-methylcrotonyl-CoA carboxylase 2 deficiency. Last evaluated: 2018-10-15. Review status: criteria provided, single submitter. Criteria: ACMG Guidelines, 2015. Collection method: curation. Allele origin: unknown.
Comment: This variant is interpreted as Likely Pathogenic, for MCC2 deficiency, autosomal recessive. The following ACMG Tag(s) were applied: PM2 => Absent from controls (or at extremely low frequency if recessive) in Exome Sequencing Project, 1000 Genomes Project, or Exome Aggregation Consortium. PP3 => Multiple lines of computational evidence support a deleterious effect on the gene or gene product. PS3 => Well-established functional studies show a deleterious effect (PubMed 16010683).

GeneDx
Classification: Pathogenic. Last evaluated: 2018-09-20. Review status: criteria provided, single submitter. Criteria: GeneDx Variant Classification (06012015). Collection method: clinical testing. Allele origin: germline. Affected: yes.
Comment: The H190Y variant in the MCCC2 gene has been reported previously in association with 3-methylcrotonyl-CoA carboxylase deficiency, in an affected individual who was homozygous for the H190Y variant (Dantas et al., 2005). This variant is not observed at a significant frequency in large population cohorts (Lek et al., 2016). The H190Y variant is a non-conservative amino acid substitution, which is likely to impact secondary protein structure as these residues differ in polarity, charge, size and/or other properties. In-silico analyses, including protein predictors and evolutionary conservation, support a deleterious effect, and expression studies found that H190Y is associated with severely decreased 3-methylcrotonyl-CoA carboxylase activity (Dantas et al., 2005). Missense variants in the same codon (H190R) and nearby residues (R193C and R193H) have been reported in the Human Gene Mutation Database in association with 3-methylcrotonyl-CoA carboxylase deficiency (Stenson et al., 2014), supporting the functional importance of this region of the protein. We interpret H190Y as a pathogenic variant.

Eurofins Ntd Llc (ga)
Classification: Pathogenic. Last evaluated: 2015-05-04. Review status: criteria provided, single submitter. Criteria: EGL Classification Definitions 2015. Collection method: clinical testing. Allele origin: germline. Observed: 1 variant allele, 1 heterozygote.

Literature cited by the submitters: PubMed 16010683 (cited by 5 submitters); PubMed 17968484 (cited by Labcorp Genetics (formerly Invitae), Labcorp); PubMed 33058845 (cited by Women's Health and Genetics/Laboratory Corporation of America, LabCorp).

NM_022132.5(MCCC2):c.568C>T (p.His190Tyr)

Gene: MCCC2 (methylcrotonyl-CoA carboxylase subunit 2; plus strand). Cytogenetic location: 5q13.2.
Variant type: single nucleotide variant.
Coding change: c.568C>T on transcript NM_022132.5 (MANE Select); coding-DNA position 568, C replaced by T.
Protein change: p.His190Tyr; replaces histidine 190 with tyrosine.
Molecular consequence: missense variant.
Genome position (GRCh38, 1-based): chr5:71,604,412, C>T. VCF-style: chr5-71604412-C-T. GRCh37 (hg19) VCF-style: chr5-70900239-C-T.
Other names: p.H190Y:CAC>TAC; c.568C>T, p.His190Tyr (NM_001363147.1); short protein forms H190Y.
Identifiers: ClinVar variation 198252 (VCV000198252.20), dbSNP rs773774134, ClinGen allele CA275357.
Genomic context (GRCh38, chr5:71,604,412, plus strand): 5'-TCAGTTGATTCGGGAGGAGCATACTTACCTCGACAAGCAGATGTGTTTCCAGATCGAGAC[C>T]ACTTTGGCCGTACATTCTATAATCAGGCAATTATGTCTTCTAAAAATATTGCACAGGTAA-3'
Protein context (NP_071415.1, residues 180-200): RQADVFPDRD[His190Tyr]FGRTFYNQAI